The following is an entry in ClinVar:

NM_000520.6(HEXA):c.570+18_570+43del

Gene: HEXA (hexosaminidase subunit alpha; minus strand). Cytogenetic location: 15q23.
Variant type: Deletion.
Coding change: c.570+18_570+43del on transcript NM_000520.6 (MANE Select); bases 18 to 43 of the intron after coding-DNA position 570, 26 bases deleted (CCTTCTTCACACTTAAGAGTTCTAGG).
Molecular consequence: intron variant.
Genome position (GRCh38, 1-based): chr15:72,353,025-72,353,050, CCTAGAACTCTTAAGTGTGAAGAAGG deleted on the plus strand (CCTTCTTCACACTTAAGAGTTCTAGG on the coding strand, the reverse complement: HEXA is on the minus strand); deleting any 26 consecutive bases within chr15:72,353,025-72,353,053 gives the same sequence; the c. name uses the placement nearest the transcript's 3' end. VCF-style (leftmost placement, unchanged base first): chr15-72353024-CCCTAGAACTCTTAAGTGTGAAGAAGG-C. GRCh37 (hg19) VCF-style: chr15-72645365-CCCTAGAACTCTTAAGTGTGAAGAAGG-C.
Other names: c.603+18_603+43del (NM_001318825.2).
Identifiers: ClinVar variation 4716067 (VCV004716067.1).

ClinVar aggregate classification (germline): Uncertain significance (1 of 4 stars; one submission).

Conditions:
Tay-Sachs disease (TSD). Also called: HEXA Disorders; HEXA DEFICIENCY; GM2 gangliosidosis, type 1; Hexosaminidase alpha-subunit deficiency (variant B); Sphingolipidosis, Tay-Sachs; Hexosaminidase A Deficiency. Identifiers: Orphanet 845, MedGen C0039373, MONDO:0010100, OMIM 272800.

Submission:

Labcorp Genetics (formerly Invitae), Labcorp
Classification: Uncertain significance for Tay-Sachs disease. Last evaluated: 2025-09-09. Review status: criteria provided, single submitter. Criteria: Invitae Variant Classification Sherloc (09022015). Collection method: clinical testing. Allele origin: germline.
Comment: This sequence change falls in intron 5 of the HEXA gene. It does not directly change the encoded amino acid sequence of the HEXA protein. This variant is not present in population databases (gnomAD no frequency). This variant has not been reported in the literature in individuals affected with HEXA-related conditions. Experimental studies and prediction algorithms are not available or were not evaluated, and the effect of this variant on mRNA splicing is currently unknown. In summary, the available evidence is currently insufficient to determine the role of this variant in disease. Therefore, it has been classified as a Variant of Uncertain Significance.